The following is an entry in ClinVar:

ClinVar aggregate classification (germline): Likely benign (0 of 4 stars; one submission).

Conditions:
CDK13-related disorder. Also called: CDK13-related condition. Identifiers: MedGen C5816700.

Submission:

PreventionGenetics, part of Exact Sciences
Classification: Likely benign for CDK13-related condition. Last evaluated: 2023-01-31. Review status: no assertion criteria provided. Collection method: clinical testing. Allele origin: germline.
Comment: This variant is classified as likely benign based on ACMG/AMP sequence variant interpretation guidelines (Richards et al. 2015 PMID: 25741868, with internal and published modifications).

NM_003718.5(CDK13):c.4509CAGAGG[4] (p.Gly1509_Leu1510insArgGly)

Gene: CDK13 (cyclin dependent kinase 13; plus strand). Cytogenetic location: 7p14.1.
Variant type: Microsatellite.
Coding change: c.4509CAGAGG[4] on transcript NM_003718.5 (MANE Select); four copies in a row of the 6-base unit CAGAGG starting at c.4509; the reference has three copies in a row; one copy, 6 bases duplicated.
Protein change: p.Gly1509_Leu1510insArgGly.
Molecular consequence: inframe indel (on NM_031267.4).
Genome position (GRCh38, 1-based): chr7:40,094,962-40,094,967, CAGAGG duplicated; duplicating any 6 consecutive bases within chr7:40,094,948-40,094,967 gives the same sequence; the position shown is the placement nearest the transcript's 3' end. VCF-style (leftmost placement, unchanged base first): chr7-40094947-T-TGGCAGA. GRCh37 (hg19) VCF-style: chr7-40134546-T-TGGCAGA.
Other names: c.4329_4334CAGAGG[4], p.Gly1449_Leu1450insArgGly (NM_031267.4).
Identifiers: ClinVar variation 3031381 (VCV003031381.2), dbSNP rs747124942, ClinGen allele CA4229141.
Genomic context (GRCh38, chr7:40,094,947, plus strand): 5'-TTCTCCTGCCCAAGGACCTGGATATTCACAAGGATACAGGGGACATATTAGCACATCAAC[T>TGGCAGA]GGCAGAGGCAGAGGCAGAGGGTTACCATACTGAGTATCTGTTTTTCCTCAGGCACATCAT-3'